The following is an entry in ClinVar:

NM_005918.4(MDH2):c.857C>T (p.Thr286Ile)

Gene: MDH2 (malate dehydrogenase 2; plus strand). Cytogenetic location: 7q11.23.
Variant type: single nucleotide variant.
Coding change: c.857C>T on transcript NM_005918.4 (MANE Select); coding-DNA position 857, C replaced by T.
Protein change: p.Thr286Ile; replaces threonine 286 with isoleucine.
Molecular consequence: missense variant.
Genome position (GRCh38, 1-based): chr7:76,064,925, C>T. VCF-style: chr7-76064925-C-T. GRCh37 (hg19) VCF-style: chr7-75694243-C-T.
Other names: c.731C>T, p.Thr244Ile (NM_001282403.2); c.536C>T, p.Thr179Ile (NM_001282404.2); short protein forms T179I, T244I, T286I.
Identifiers: ClinVar variation 1763908 (VCV001763908.2), dbSNP rs1798055171, ClinGen allele CA367768759.

ClinVar aggregate classification (germline): Uncertain significance (1 of 4 stars; one submission).

Conditions:
Inborn genetic diseases. Identifiers: MedGen C0950123, MeSH D030342.

gnomAD v4.1: 3 of 1,614,158 alleles (0.00019%); highest among the groups gnomAD compares: Non-Finnish European, 0.00025%; no homozygotes.

Submission:

Ambry Genetics
Classification: Uncertain significance for Inborn genetic diseases. Last evaluated: 2022-10-24. Review status: criteria provided, single submitter. Criteria: Ambry Variant Classification Scheme 2023. Collection method: clinical testing. Allele origin: germline.
Comment: The p.T286I variant (also known as c.857C>T), located in coding exon 8 of the MDH2 gene, results from a C to T substitution at nucleotide position 857. The threonine at codon 286 is replaced by isoleucine, an amino acid with similar properties. This amino acid position is conserved. In addition, this alteration is predicted to be tolerated by in silico analysis. Since supporting evidence is limited at this time, the clinical significance of this alteration remains unclear.